The following is an entry in ClinVar:

ClinVar aggregate classification (germline): Uncertain significance. Review status: criteria provided, multiple submitters, no conflicts (2 of 4 stars). 2 submissions from 2 submitters: Uncertain significance (2). Last evaluated 2024-05-26.

Conditions:
Cardiovascular phenotype. Identifiers: MedGen CN230736.
Ehlers-Danlos syndrome (EDS). Identifiers: Orphanet 98249, MedGen C0013720, MONDO:0020066.

Allele frequency attached by ClinVar (database versions not stated): TOPMed below 0.00001; gnomAD 0.00003 and 0.00004; gnomAD exomes 0.00003; ExAC 0.00006.
gnomAD v4.1: 22 of 1,550,170 alleles (0.0014%); highest among the groups gnomAD compares: African/African-American, 0.0055%; no homozygotes.

Submissions (2):

Ambry Genetics
Classification: Uncertain significance for Cardiovascular phenotype. Last evaluated: 2024-05-26. Review status: criteria provided, single submitter. Criteria: Ambry Variant Classification Scheme 2023. Collection method: clinical testing. Allele origin: germline.
Comment: The p.R2585W variant (also known as c.7753C>T), located in coding exon 2 of the ZNF469 gene, results from a C to T substitution at nucleotide position 7753. The arginine at codon 2585 is replaced by tryptophan, an amino acid with dissimilar properties. This amino acid position is conserved. In addition, this alteration is predicted to be tolerated by in silico analysis. Based on the available evidence, the clinical significance of this variant remains unclear.

Genome Diagnostics Laboratory, The Hospital for Sick Children
Classification: Uncertain significance for Ehlers-Danlos syndrome. Last evaluated: 2019-02-01. Review status: criteria provided, single submitter. Criteria: ACMG Guidelines, 2015. Collection method: clinical testing. Allele origin: germline.

NM_001367624.2(ZNF469):c.7837C>T (p.Arg2613Trp)

Gene: ZNF469 (zinc finger protein 469; plus strand). Cytogenetic location: 16q24.2.
Variant type: single nucleotide variant.
Coding change: c.7837C>T on transcript NM_001367624.2 (MANE Select); coding-DNA position 7837, C replaced by T.
Protein change: p.Arg2613Trp; replaces arginine 2613 with tryptophan.
Molecular consequence: missense variant.
Genome position (GRCh38, 1-based): chr16:88,435,307, C>T. VCF-style: chr16-88435307-C-T. GRCh37 (hg19) VCF-style: chr16-88501715-C-T.
Other names: NM_001127464.2:c.7753C>T; NM_001127464.1:c.7753C>T; short protein forms R2613W.
Identifiers: ClinVar variation 1702152 (VCV001702152.4), dbSNP rs754715853, ClinGen allele CA8225283.